The following is an entry in ClinVar:

ClinVar aggregate classification (germline): Uncertain significance. Review status: criteria provided, multiple submitters, no conflicts (2 of 4 stars). 2 submissions from 2 submitters: Uncertain significance (2). Last evaluated 2024-11-23.

Conditions:
Gastrointestinal stromal tumor. Also called: Gastrointestinal stromal tumor, somatic; Gastrointestinal stroma tumor. Identifiers: Orphanet 44890, MedGen C0238198, MeSH D046152, MONDO:0011719, OMIM 606764, HP:0100723.
Hereditary cancer-predisposing syndrome. Also called: Neoplastic Syndromes, Hereditary; Hereditary neoplastic syndrome; Tumor predisposition; Hereditary Cancer Syndrome. Identifiers: Orphanet 140162, MedGen C0027672, MeSH D009386, MONDO:0015356.

Submissions (2):

Ambry Genetics
Classification: Uncertain significance for Hereditary cancer-predisposing syndrome. Last evaluated: 2024-11-23. Review status: criteria provided, single submitter. Criteria: Ambry Variant Classification Scheme 2023. Collection method: clinical testing. Allele origin: germline.
Comment: The p.E86K variant (also known as c.256G>A), located in coding exon 2 of the PDGFRA gene, results from a G to A substitution at nucleotide position 256. The glutamic acid at codon 86 is replaced by lysine, an amino acid with similar properties. This amino acid position is conserved. In addition, the in silico prediction for this alteration is inconclusive. Based on the available evidence, the clinical significance of this variant remains unclear.

Labcorp Genetics (formerly Invitae), Labcorp
Classification: Uncertain significance for Gastrointestinal stromal tumor. Last evaluated: 2023-06-25. Review status: criteria provided, single submitter. Criteria: Invitae Variant Classification Sherloc (09022015). Collection method: clinical testing. Allele origin: germline.
Comment: In summary, the available evidence is currently insufficient to determine the role of this variant in disease. Therefore, it has been classified as a Variant of Uncertain Significance. Advanced modeling of protein sequence and biophysical properties (such as structural, functional, and spatial information, amino acid conservation, physicochemical variation, residue mobility, and thermodynamic stability) performed at Invitae indicates that this missense variant is not expected to disrupt PDGFRA protein function. This variant has not been reported in the literature in individuals affected with PDGFRA-related conditions. This variant is not present in population databases (gnomAD no frequency). This sequence change replaces glutamic acid, which is acidic and polar, with lysine, which is basic and polar, at codon 86 of the PDGFRA protein (p.Glu86Lys).

NM_006206.6(PDGFRA):c.256G>A (p.Glu86Lys)

Gene: PDGFRA (platelet derived growth factor receptor alpha; plus strand). Cytogenetic location: 4q12.
Variant type: single nucleotide variant.
Coding change: c.256G>A on transcript NM_006206.6 (MANE Select); coding-DNA position 256, G replaced by A.
Protein change: p.Glu86Lys; replaces glutamic acid 86 with lysine.
Molecular consequence: missense variant.
Genome position (GRCh38, 1-based): chr4:54,261,301, G>A. VCF-style: chr4-54261301-G-A. GRCh37 (hg19) VCF-style: chr4-55127468-G-A.
Other names: c.256G>A, p.Glu86Lys (NM_001347827.2, NM_001347829.2); c.331G>A, p.Glu111Lys (NM_001347828.2); c.295G>A, p.Glu99Lys (NM_001347830.2); short protein forms E111K, E99K, E86K.
Identifiers: ClinVar variation 2967169 (VCV002967169.4), dbSNP rs2475422818, ClinGen allele CA356888672.
Genomic context (GRCh38, chr4:54,261,301, plus strand): 5'-AGCTCCGATGTGGAAATCAGAAATGAAGAAAACAACAGCGGCCTTTTTGTGACGGTCTTG[G>A]AAGTGAGCAGTGCCTCGGCGGCCCACACAGGGTTGTACACTTGCTATTACAACCACACTC-3'
Protein context (NP_006197.1, residues 76-96): NNSGLFVTVL[Glu86Lys]VSSASAAHTG